The following is an entry in ClinVar:

NM_000426.4(LAMA2):c.3976C>T (p.Arg1326Ter)

Gene: LAMA2 (laminin subunit alpha 2; plus strand). Cytogenetic location: 6q22.33.
Variant type: single nucleotide variant.
Coding change: c.3976C>T on transcript NM_000426.4 (MANE Select); coding-DNA position 3976, C replaced by T.
Protein change: p.Arg1326Ter; replaces arginine 1326 with a stop codon.
Molecular consequence: nonsense.
Genome position (GRCh38, 1-based): chr6:129,316,089, C>T. VCF-style: chr6-129316089-C-T. GRCh37 (hg19) VCF-style: chr6-129637234-C-T.
Other names: c.3976C>T, p.Arg1326Ter (NM_001079823.2); short protein forms R1326*.
Identifiers: ClinVar variation 92956 (VCV000092956.34), dbSNP rs398123373, ClinGen allele CA220766.

ClinVar aggregate classification (germline): Pathogenic. Review status: criteria provided, multiple submitters, no conflicts (2 of 4 stars). 13 submissions from 13 submitters: Pathogenic (12). 1 of the submissions does not count toward it. Last evaluated 2025-11-18.

Conditions:
Merosin deficient congenital muscular dystrophy (MDC1A). Also called: Congenital merosin-deficient muscular dystrophy 1A; Congenital Muscular Dystrophy Type 1A (MDC1A). Identifiers: Orphanet 258, MedGen C1263858, MONDO:0011925, OMIM 607855.
Muscular dystrophy, limb-girdle, autosomal recessive 23. Identifiers: Orphanet 565837, MedGen C4748327, MONDO:0029136, OMIM 618138.
LAMA2-related disorder. Also called: LAMA2-related condition; LAMA2-related disorders.
LAMA2-related muscular dystrophy (LAMA2-RD). Also called: Laminin alpha 2-related dystrophy. Identifiers: MedGen C5679788, MONDO:0100228.

Allele frequency attached by ClinVar (database versions not stated): gnomAD 0.00003; TOPMed 0.00004; ExAC 0.00005.
gnomAD v4.1: 76 of 1,611,900 alleles (0.0047%); highest among the groups gnomAD compares: Non-Finnish European, 0.0056%; no homozygotes.

Submissions (13):

Labcorp Genetics (formerly Invitae), Labcorp
Classification: Pathogenic for LAMA2-related muscular dystrophy. Last evaluated: 2025-11-18. Review status: criteria provided, single submitter. Criteria: Invitae Variant Classification Sherloc (09022015). Collection method: clinical testing. Allele origin: germline.
Comment: This sequence change creates a premature translational stop signal (p.Arg1326*) in the LAMA2 gene. It is expected to result in an absent or disrupted protein product. Loss-of-function variants in LAMA2 are known to be pathogenic (PMID: 18700894, 32904964). This variant is present in population databases (rs398123373, gnomAD 0.01%). This premature translational stop signal has been observed in individuals with LAMA2-related muscular dystrophy (PMID: 18700894, 30055037). ClinVar contains an entry for this variant (Variation ID: 92956). For these reasons, this variant has been classified as Pathogenic.

Dasa
Classification: Pathogenic. Last evaluated: 2024-12-24. Review status: criteria provided, single submitter. Criteria: DASA Assertion Criteria. Collection method: clinical testing. Allele origin: germline.
Comment: NM_000426.4(LAMA2):c.3976C>T (p.Arg1326*) introduces a premature termination codon predicted to result in loss of normal protein function. Loss-of-function is an established mechanism of disease for this gene. This variant has been observed in affected individuals with related phenotype in a genotype context consistent with recessive disease (PMID: 18700894; PMID: 30055037). This variant has been recurrently observed in individuals with related phenotype (PMID: 18700894; PMID: 30055037). The variant is present at low frequency in population datasets. Based on the available data, this variant is classified as pathogenic.

Victorian Clinical Genetics Services, Murdoch Childrens Research Institute
Classification: Pathogenic for LAMA2-related muscular dystrophy. Last evaluated: 2024-10-10. Review status: criteria provided, single submitter. Criteria: ACMG Guidelines, 2015. Collection method: clinical testing. Allele origin: germline. Inheritance: Autosomal recessive inheritance. Affected: yes.
Comment: Based on the classification scheme VCGS_Germline_v1.3.5, this variant is classified as Pathogenic. Following criteria are met: 0102 - Loss of function is a known mechanism of disease in this gene and is associated with LAMA2-related muscular dystrophy (MONDO:0100228). (I) 0106 - This gene is associated with autosomal recessive disease. (I) 0201 - Variant is predicted to cause nonsense-mediated decay (NMD) and loss of protein (premature termination codon is located at least 54 nucleotides upstream of the final exon-exon junction). (SP) 0251 - This variant is heterozygous. (I) 0304 - Variant is present in gnomAD (v4) <0.01 for a recessive condition (76 heterozygotes, 0 homozygotes). (SP) 0701 - Other NMD-predicted variants comparable to the one identified in this case have very strong previous evidence for pathogenicity (DECIPHER). (SP) 0801 - This variant has strong previous evidence of pathogenicity in unrelated individuals. This variant has been reported nine times as pathogenic in ClinVar by clinical laboratories. This variant has been observed in individuals with LAMA2-related muscular dystrophy (PMIDs: 34281576, 37182895). (SP) 1208 - Inheritance information for this variant is not currently available in this individual. (I) Legend: (SP) - Supporting pathogenic, (I) - Information, (SB) - Supporting benign

Mayo Clinic Laboratories, Mayo Clinic
Classification: Pathogenic. Last evaluated: 2024-06-06. Review status: criteria provided, single submitter. Criteria: ACMG Guidelines, 2015. Collection method: clinical testing. Allele origin: germline. Observed: 1 variant allele.
Comment: PM2, PM3_very_strong, PVS1

Baylor Genetics
Classification: Pathogenic for Merosin deficient congenital muscular dystrophy. Last evaluated: 2023-12-01. Review status: criteria provided, single submitter. Criteria: ACMG Guidelines, 2015. Collection method: clinical testing. Allele origin: unknown.

Blueprint Genetics
Classification: Pathogenic for LAMA2-related disorders. Last evaluated: 2022-11-08. Review status: criteria provided, single submitter. Criteria: ACMG Guidelines, 2015. Collection method: clinical testing. Allele origin: germline. Affected: yes. Observed: 5 variant alleles.

Laboratorio de Genetica e Diagnostico Molecular, Hospital Israelita Albert Einstein
Classification: Pathogenic for Muscular dystrophy, limb-girdle, autosomal recessive 23. Last evaluated: 2022-04-12. Review status: criteria provided, single submitter. Criteria: ACMG Guidelines, 2015. Collection method: clinical testing. Allele origin: germline. Affected: yes. Observed: 1 variant allele.
Comment: ACMG classification criteria: PVS1 very strong, PS4 strong, PM2 moderated, PM3 moderated

GeneDx
Classification: Pathogenic. Last evaluated: 2022-03-07. Review status: criteria provided, single submitter. Criteria: GeneDx Variant Classification Process June 2021. Collection method: clinical testing. Allele origin: germline. Affected: yes.
Comment: Nonsense variant predicted to result in protein truncation or nonsense mediated decay in a gene for which loss-of-function is a known mechanism of disease; Not observed at significant frequency in large population cohorts (gnomAD); This variant is associated with the following publications: (PMID: 20207543, 25525159, 18700894, 11938437, 25663498, 32403337, 32266982, 32528171, 30055037, 32906206, 33726816, Vercellino_2022, 34503567)

Fulgent Genetics
Classification: Pathogenic for Merosin deficient congenital muscular dystrophy; Muscular dystrophy, limb-girdle, autosomal recessive 23. Last evaluated: 2021-07-22. Review status: criteria provided, single submitter. Criteria: ACMG Guidelines, 2015. Collection method: clinical testing. Allele origin: unknown.

Revvity Omics, Revvity
Classification: Pathogenic. Last evaluated: 2020-09-02. Review status: criteria provided, single submitter. Criteria: ACMG Guidelines, 2015. Collection method: clinical testing. Allele origin: germline.

Clinical Genetics and Genomics, Karolinska University Hospital
Classification: Pathogenic. Last evaluated: 2016-09-13. Review status: criteria provided, single submitter. Criteria: ACMG Guidelines, 2015. Collection method: clinical testing. Allele origin: germline. Affected: yes. Observed: 3 variant alleles.

Eurofins Ntd Llc (ga)
Classification: Pathogenic. Last evaluated: 2015-02-06. Review status: criteria provided, single submitter. Criteria: EGL Classification Definitions. Collection method: clinical testing. Allele origin: germline. Observed: 3 variant alleles, 3 homozygotes.

Counsyl
Classification: Pathogenic for Merosin deficient congenital muscular dystrophy. Last evaluated: 2017-09-08. Review status: no assertion criteria provided. Collection method: clinical testing. Allele origin: unknown. Not counted in ClinVar's aggregate classification.

Literature cited by the submitters: PubMed 18700894 (cited by 3 submitters); PubMed 32904964 (cited by Labcorp Genetics (formerly Invitae), Labcorp); PubMed 30055037 (cited by 3 submitters); PubMed 34281576 (cited by Victorian Clinical Genetics Services, Murdoch Childrens Research Institute); PubMed 37182895 (cited by Victorian Clinical Genetics Services, Murdoch Childrens Research Institute); PubMed 38747280 (cited by Mayo Clinic Laboratories, Mayo Clinic).